The following is an entry in ClinVar:

ClinVar aggregate classification (germline): Uncertain significance (1 of 4 stars; one submission).

Submission:

GeneDx
Classification: Uncertain significance. Last evaluated: 2025-08-04. Review status: criteria provided, single submitter. Criteria: GeneDx Variant Classification Process June 2021. Collection method: clinical testing. Allele origin: germline. Affected: yes.
Comment: Not observed at significant frequency in large population cohorts (gnomAD); In silico analysis supports that this missense variant has a deleterious effect on protein structure/function; Has not been previously published as pathogenic or benign to our knowledge

NM_006164.5(NFE2L2):c.227T>C (p.Leu76Pro)

Gene: NFE2L2 (NFE2 like bZIP transcription factor 2; minus strand). Cytogenetic location: 2q31.2.
Variant type: single nucleotide variant.
Coding change: c.227T>C on transcript NM_006164.5 (MANE Select); coding-DNA position 227, T replaced by C.
Protein change: p.Leu76Pro; replaces leucine 76 with proline.
Molecular consequence: missense variant. On other transcripts: 5 prime UTR variant (1), intron variant (1).
Genome position (GRCh38, 1-based): chr2:177,234,090, A>G on the plus strand (T>C on the coding strand, the complement: NFE2L2 is on the minus strand). VCF-style: chr2-177234090-A-G. GRCh37 (hg19) VCF-style: chr2-178098818-A-G.
Other names: c.179T>C, p.Leu60Pro (NM_001145412.3, NM_001145413.3, NM_001313900.1 and 1 more transcripts); c.227T>C, p.Leu76Pro (NM_001313902.2); c.-3T>C (NM_001313904.1); c.93+134T>C (NM_001313903.2); short protein forms L60P, L76P.
Identifiers: ClinVar variation 4755836 (VCV004755836.1).